The following is an entry in ClinVar:

NM_001385012.1(NBEA):c.3952C>A (p.Arg1318Ser)

Gene: NBEA (neurobeachin; plus strand). Cytogenetic location: 13q13.3.
Variant type: single nucleotide variant.
Coding change: c.3952C>A on transcript NM_001385012.1 (MANE Select); coding-DNA position 3952, C replaced by A.
Protein change: p.Arg1318Ser; replaces arginine 1318 with serine.
Molecular consequence: missense variant.
Genome position (GRCh38, 1-based): chr13:35,161,840, C>A. VCF-style: chr13-35161840-C-A. GRCh37 (hg19) VCF-style: chr13-35735977-C-A.
Other names: c.3952C>A, p.Arg1318Ser (NM_001379245.1, NM_015678.5); short protein forms R1318S.
Identifiers: ClinVar variation 4874804 (VCV004874804.2).

ClinVar aggregate classification (germline): Uncertain significance (1 of 4 stars; one submission).

Submission:

CeGaT Center for Human Genetics Tuebingen
Classification: Uncertain significance. Last evaluated: 2026-05-01. Review status: criteria provided, single submitter. Criteria: CeGaT Center For Human Genetics Tuebingen Variant Classification Criteria Version 2. Collection method: clinical testing. Allele origin: germline. Affected: yes. Observed: 1 variant allele.
Comment: NBEA: PM2